The following is an entry in ClinVar:

NM_001267550.2(TTN):c.6146A>G (p.Glu2049Gly)

Gene: TTN (titin; minus strand). Cytogenetic location: 2q31.2.
Variant type: single nucleotide variant.
Coding change: c.6146A>G on transcript NM_001267550.2 (MANE Select); coding-DNA position 6146, A replaced by G.
Protein change: p.Glu2049Gly; replaces glutamic acid 2049 with glycine.
Molecular consequence: missense variant.
Genome position (GRCh38, 1-based): chr2:178,775,718, T>C on the plus strand (A>G on the coding strand, the complement: TTN is on the minus strand). VCF-style: chr2-178775718-T-C. GRCh37 (hg19) VCF-style: chr2-179640445-T-C.
Other names: c.6146A>G, p.Glu2049Gly (NM_001256850.1, NM_133378.4, NM_133379.5); c.6008A>G, p.Glu2003Gly (NM_003319.4, NM_133432.3, NM_133437.4); short protein forms E2003G, E2049G.
Identifiers: ClinVar variation 3257318 (VCV003257318.17).
Genomic context (GRCh38, chr2:178,775,718, plus strand): 5'-ATCTTGTCAGGTTTAAAAGTTGGAATCGTGATTTTGCCTTCTTCGGCAAGAGCTTTCTTT[T>C]CCTCTTCAGTTAACTCTTTGGTCCAGTGGAGAAGTTCATCTTTTGTCTTCCTGAGGAGTT-3'
Protein context (NP_001254479.2, residues 2039-2059): LHWTKELTEE[Glu2049Gly]KKALAEEGKI

ClinVar aggregate classification (germline): Uncertain significance (1 of 4 stars; one submission).

Submission:

CeGaT Center for Human Genetics Tuebingen
Classification: Uncertain significance. Last evaluated: 2024-07-01. Review status: criteria provided, single submitter. Criteria: CeGaT Center For Human Genetics Tuebingen Variant Classification Criteria Version 2. Collection method: clinical testing. Allele origin: germline. Affected: yes. Observed: 1 variant allele.
Comment: TTN: PM2